The following is an entry in ClinVar:

NC_012920.1(MT-ATP6):m.9041A>G

Gene: MT-ATP6 (mitochondrially encoded ATP synthase 6; plus strand).
Variant type: single nucleotide variant.
Genome position: chrM-9041-A-G.
Identifiers: ClinVar variation 440988 (VCV000440988.3), dbSNP rs879244322, ClinGen allele CA337098147.

ClinVar aggregate classification (germline): Benign (1 of 4 stars; one submission).

Conditions:
Leigh syndrome (NULS). Also called: LEIGH SYNDROME, NUCLEAR; Leigh's necrotizing encephalopathy; Leigh's disease; Leigh Syndrome (mtDNA deletion); Leigh's syndrome; Leigh Disease. Identifiers: Orphanet 506, MedGen C2931891, MONDO:0009723, OMIM 256000.

Submission:

Wong Mito Lab, Molecular and Human Genetics, Baylor College of Medicine
Classification: Benign for Leigh syndrome. Last evaluated: 2019-10-17. Review status: criteria provided, single submitter. Criteria: Modified ACMG Guidelines (Unpublished). Collection method: clinical testing. Allele origin: germline.
Comment: The NC_012920.1:m.9041A>G (YP_003024031.1:p.His172Arg) variant in MTATP6 gene is interpretated to be a Benign variant based on the modified ACMG guidelines (unpublished). This variant meets the following evidence codes: BS1, BS2, BP4